The following is an entry in ClinVar:

NM_000088.4(COL1A1):c.1951C>A (p.Pro651Thr)

Gene: COL1A1 (collagen type I alpha 1 chain; minus strand). Cytogenetic location: 17q21.33.
Variant type: single nucleotide variant.
Coding change: c.1951C>A on transcript NM_000088.4 (MANE Select); coding-DNA position 1951, C replaced by A.
Protein change: p.Pro651Thr; replaces proline 651 with threonine.
Molecular consequence: missense variant.
Genome position (GRCh38, 1-based): chr17:50,192,507, G>T on the plus strand (C>A on the coding strand, the complement: COL1A1 is on the minus strand). VCF-style: chr17-50192507-G-T. GRCh37 (hg19) VCF-style: chr17-48269868-G-T.
Other names: short protein forms P651T.
Identifiers: ClinVar variation 1783239 (VCV001783239.2), dbSNP rs774045142, ClinGen allele CA400213342.

ClinVar aggregate classification (germline): Uncertain significance (1 of 4 stars; one submission).

Conditions:
Cardiovascular phenotype. Identifiers: MedGen CN230736.

Submission:

Ambry Genetics
Classification: Uncertain significance for Cardiovascular phenotype. Last evaluated: 2020-12-14. Review status: criteria provided, single submitter. Criteria: Ambry Variant Classification Scheme 2023. Collection method: clinical testing. Allele origin: germline.
Comment: The p.P651T variant (also known as c.1951C>A), located in coding exon 29 of the COL1A1 gene, results from a C to A substitution at nucleotide position 1951. The proline at codon 651 is replaced by threonine, an amino acid with highly similar properties. This amino acid position is well conserved in available vertebrate species. In addition, the in silico prediction for this alteration is inconclusive. Since supporting evidence is limited at this time, the clinical significance of this alteration remains unclear.